The following is an entry in ClinVar:

ClinVar aggregate classification (germline): Benign (3 of 4 stars; one submission).

Conditions:
Breast-ovarian cancer, familial, susceptibility to, 2 (BROVCA2). Also called: BRCA2 Hereditary Breast and Ovarian Cancer. Identifiers: Orphanet 145, MedGen C2675520, MONDO:0012933, OMIM 612555. Disease mechanism: loss of function.

Allele frequency attached by ClinVar (database versions not stated): gnomAD 0.01263 and 0.01368; 1000 Genomes Project 0.01418; TOPMed 0.01422; 1000 Genomes Project 30x 0.01452.
gnomAD v4.1: 1,901 of 152,240 alleles (1.2%); highest among the groups gnomAD compares: African/African-American, 4.4%; 35 homozygotes.

Submission:

Evidence-based Network for the Interpretation of Germline Mutant Alleles (ENIGMA)
Classification: Benign for Breast-ovarian cancer, familial 2. Last evaluated: 2015-01-12. Review status: reviewed by expert panel. Criteria: ENIGMA BRCA1/2 Classification Criteria (2015). Collection method: curation. Allele origin: germline.
Comment: Class 1 not pathogenic based on frequency >1% in an outbred sampleset. Frequency 0.03659 (African), derived from 1000 genomes (2012-04-30).

NM_000059.4(BRCA2):c.8632+392T>C

Gene: BRCA2 (BRCA2 DNA repair associated; plus strand). Cytogenetic location: 13q13.1.
Variant type: single nucleotide variant.
Coding change: c.8632+392T>C on transcript NM_000059.4 (MANE Select); 392 bases into the intron after coding-DNA position 8632, T replaced by C.
Molecular consequence: intron variant.
Genome position (GRCh38, 1-based): chr13:32,371,492, T>C. VCF-style: chr13-32371492-T-C. GRCh37 (hg19) VCF-style: chr13-32945629-T-C.
Other names: IVS 20+392T>C.
Identifiers: ClinVar variation 209819 (VCV000209819.1), dbSNP rs11571748, ClinGen allele CA276787.